The following is an entry in ClinVar:

NM_001844.5(COL2A1):c.2832del (p.Gly945fs)

Gene: COL2A1 (collagen type II alpha 1 chain; minus strand). Cytogenetic location: 12q13.11.
Variant type: Deletion.
Coding change: c.2832del on transcript NM_001844.5 (MANE Select); coding-DNA position 2832, one base deleted (C; older notation c.2832delC).
Protein change: p.Gly945fs; shifts the reading frame from glycine 945.
Molecular consequence: frameshift variant.
Genome position (GRCh38, 1-based): chr12:47,978,660, G deleted on the plus strand (C on the coding strand, the reverse complement: COL2A1 is on the minus strand); the first of 3 consecutive G bases (chr12:47,978,660-47,978,662); deleting any one gives the same sequence. VCF-style (leftmost placement, unchanged base first): chr12-47978659-CG-C. GRCh37 (hg19) VCF-style: chr12-48372442-CG-C.
Other names: c.2625del, p.Gly876fs (NM_033150.3); short protein forms G876fs, G945fs.
Identifiers: ClinVar variation 4890681 (VCV004890681.1).
Genomic context (GRCh38, chr12:47,978,659, plus strand): 5'-AGGGACCGTCATCTCCAGGCTCTCCCTTCTCGCCAGGGGGTCCAGCAGGACCTTGGAGGC[CG>C]GGTTCACCAGCTCGGCCAGGGGGGCCGCTGTCTCCTCGAGCACCTTTGGGACCATCTTTT-3'

ClinVar aggregate classification (germline): Pathogenic (1 of 4 stars; one submission).

Conditions:
Achondrogenesis type II (ACG2). Also called: ACHONDROGENESIS, LANGER-SALDINO TYPE; CHONDROGENESIS IMPERFECTA. Identifiers: Orphanet 932, Orphanet 93296, MedGen C0220685, MONDO:0008702, OMIM 200610.

Submission:

Medical Genetics Center, Maternal and Child Health Hospital of Hubei Province
Classification: Pathogenic for Achondrogenesis type II. Last evaluated: 2024-12-16. Review status: criteria provided, single submitter. Criteria: ACMG Guidelines, 2015. Collection method: clinical testing. Allele origin: de novo. Affected: yes.
Comment: PVS1+PS2_Moderate+PM2_Supporting